The following is an entry in ClinVar:

NM_001256007.3(PNPLA8):c.882C>T (p.Pro294=)

Gene: PNPLA8 (patatin like domain 8, phospholipase A2; minus strand). Cytogenetic location: 7q31.1.
Variant type: single nucleotide variant.
Coding change: c.882C>T on transcript NM_001256007.3 (MANE Select); coding-DNA position 882, C replaced by T.
Protein change: p.Pro294=; no amino-acid change (proline 294 retained).
Molecular consequence: synonymous variant.
Genome position (GRCh38, 1-based): chr7:108,514,610, G>A on the plus strand (C>T on the coding strand, the complement: PNPLA8 is on the minus strand). VCF-style: chr7-108514610-G-A. GRCh37 (hg19) VCF-style: chr7-108155054-G-A.
Other names: p.Pro294=; c.882C>T, p.Pro294= (NM_001256008.3, NM_001256009.3, NM_015723.5); c.582C>T, p.Pro194= (NM_001256010.3, NM_001256011.3).
Identifiers: ClinVar variation 780703 (VCV000780703.13), dbSNP rs35102983, ClinGen allele CA4439734.

ClinVar aggregate classification (germline): Benign. Review status: criteria provided, multiple submitters, no conflicts (2 of 4 stars). 4 submissions from 4 submitters: Benign (4). Last evaluated 2026-02-01.

Conditions:
PNPLA8-related disorder. Also called: PNPLA8-related condition.

Allele frequency attached by ClinVar (database versions not stated): gnomAD exomes 0.00090 and 0.00251; ExAC 0.00304; 1000 Genomes Project 0.00958; gnomAD 0.00959 and 0.01022; 1000 Genomes Project 30x 0.01093; TOPMed 0.01127; ESP Exome Variant Server 0.01176.

Submissions (4):

Labcorp Genetics (formerly Invitae), Labcorp
Classification: Benign. Last evaluated: 2026-02-01. Review status: criteria provided, single submitter. Criteria: Invitae Variant Classification Sherloc (09022015). Collection method: clinical testing. Allele origin: germline.

PreventionGenetics, part of Exact Sciences
Classification: Benign for PNPLA8-related condition. Last evaluated: 2025-04-22. Review status: criteria provided, single submitter. Criteria: ACMG Guidelines, 2015. Collection method: clinical testing. Allele origin: germline.
Comment: This variant is classified as benign based on ACMG/AMP sequence variant interpretation guidelines (Richards et al. 2015 PMID: 25741868, with internal and published modifications).

Mayo Clinic Laboratories, Mayo Clinic
Classification: Benign. Last evaluated: 2023-05-24. Review status: criteria provided, single submitter. Criteria: ACMG Guidelines, 2015. Collection method: clinical testing. Allele origin: germline. Observed: 8 variant alleles.
Comment: BA1, BP4, BP7

Breakthrough Genomics
Classification: Benign. Review status: criteria provided, single submitter. Criteria: ACMG Guidelines, 2015. Collection method: not provided. Allele origin: germline. Inheritance: Autosomal recessive inheritance. Affected: yes.